The following is an entry in ClinVar:

NM_002528.7(NTHL1):c.36C>G (p.Ser12Arg)

Gene: NTHL1 (nth like DNA glycosylase 1; minus strand). Cytogenetic location: 16p13.3.
Variant type: single nucleotide variant.
Coding change: c.36C>G on transcript NM_002528.7 (MANE Select); coding-DNA position 36, C replaced by G.
Protein change: p.Ser12Arg; replaces serine 12 with arginine.
Molecular consequence: missense variant. On other transcripts: 5 prime UTR variant (1).
Genome position (GRCh38, 1-based): chr16:2,047,788, G>C on the plus strand (C>G on the coding strand, the complement: NTHL1 is on the minus strand). VCF-style: chr16-2047788-G-C. GRCh37 (hg19) VCF-style: chr16-2097789-G-C.
Other names: c.36C>G, p.Ser12Arg (NM_001318193.2); c.-143C>G (NM_001318194.2); short protein forms S12R.
Identifiers: ClinVar variation 1751592 (VCV001751592.5), dbSNP rs1216311147, ClinGen allele CA394298554.

ClinVar aggregate classification (germline): Uncertain significance. Review status: criteria provided, multiple submitters, no conflicts (2 of 4 stars). 2 submissions from 2 submitters: Uncertain significance (2). Last evaluated 2025-10-26.

Conditions:
Hereditary cancer-predisposing syndrome. Also called: Hereditary Cancer Syndrome; Hereditary neoplastic syndrome; Neoplastic Syndromes, Hereditary; Tumor predisposition. Identifiers: Orphanet 140162, MedGen C0027672, MeSH D009386, MONDO:0015356.

Allele frequency attached by ClinVar (database versions not stated): TOPMed below 0.00001; gnomAD 0.00001.
gnomAD v4.1: 2 of 1,590,246 alleles (0.00013%); highest among the groups gnomAD compares: African/African-American, 0.0027%; no homozygotes.

Submissions (2):

Ambry Genetics
Classification: Uncertain significance for Hereditary cancer-predisposing syndrome. Last evaluated: 2025-10-26. Review status: criteria provided, single submitter. Criteria: Ambry Variant Classification Scheme 2023. Collection method: clinical testing. Allele origin: germline.
Comment: The p.S20R variant (also known as c.60C>G), located in coding exon 1 of the NTHL1 gene, results from a C to G substitution at nucleotide position 60. The serine at codon 20 is replaced by arginine, an amino acid with dissimilar properties. This amino acid position is not well conserved in available vertebrate species. In addition, this alteration is predicted to be tolerated by in silico analysis. Since supporting evidence is limited at this time, the clinical significance of this alteration remains unclear.

Labcorp Genetics (formerly Invitae), Labcorp
Classification: Uncertain significance. Last evaluated: 2024-05-21. Review status: criteria provided, single submitter. Criteria: Invitae Variant Classification Sherloc (09022015). Collection method: clinical testing. Allele origin: germline.
Comment: This sequence change replaces serine, which is neutral and polar, with arginine, which is basic and polar, at codon 20 of the NTHL1 protein (p.Ser20Arg). This variant is not present in population databases (gnomAD no frequency). This variant has not been reported in the literature in individuals affected with NTHL1-related conditions. ClinVar contains an entry for this variant (Variation ID: 1751592). An algorithm developed to predict the effect of missense changes on protein structure and function (PolyPhen-2) suggests that this variant is likely to be tolerated. In summary, the available evidence is currently insufficient to determine the role of this variant in disease. Therefore, it has been classified as a Variant of Uncertain Significance.